The following is an entry in ClinVar:

NM_014494.4(TNRC6A):c.2941GAA[2] (p.Glu983del)

Gene: TNRC6A (trinucleotide repeat containing adaptor 6A; plus strand). Cytogenetic location: 16p12.1.
Variant type: Microsatellite.
Coding change: c.2941GAA[2] on transcript NM_014494.4 (MANE Select); two copies in a row of the 3-base unit GAA starting at c.2941; the reference has three copies in a row; one copy, 3 bases deleted.
Protein change: p.Glu983del; deletes glutamic acid 983.
Molecular consequence: inframe deletion. On other transcripts: inframe indel (1).
Genome position (GRCh38, 1-based): chr16:24,791,589-24,791,591, GAA deleted; deleting any 3 consecutive bases within chr16:24,791,581-24,791,591 gives the same sequence; the position shown is the placement nearest the transcript's 3' end. VCF-style (leftmost placement, unchanged base first): chr16-24791580-AAAG-A. GRCh37 (hg19) VCF-style: chr16-24802901-AAAG-A.
Other names: c.2941GAA[2], p.Glu983del (NM_001330520.3); c.2968GAA[2], p.Glu992del (NM_001351850.2); c.2941_2943GAA[2], p.Glu983del (NM_020847.1); short protein forms E983del, E992del.
Identifiers: ClinVar variation 2646336 (VCV002646336.24), dbSNP rs549025197, ClinGen allele CA7968808.

ClinVar aggregate classification (germline): Likely benign (1 of 4 stars; one submission).

Submission:

CeGaT Center for Human Genetics Tuebingen
Classification: Likely benign. Last evaluated: 2023-07-01. Review status: criteria provided, single submitter. Criteria: CeGaT Center For Human Genetics Tuebingen Variant Classification Criteria Version 2. Collection method: clinical testing. Allele origin: germline. Affected: yes. Observed: 1 variant allele.
Comment: TNRC6A: BS2